The following is an entry in ClinVar:

NM_020461.4(TUBGCP6):c.4009G>A (p.Gly1337Arg)

Gene: TUBGCP6 (tubulin gamma complex component 6; minus strand). Cytogenetic location: 22q13.33.
Variant type: single nucleotide variant.
Coding change: c.4009G>A on transcript NM_020461.4 (MANE Select); coding-DNA position 4009, G replaced by A.
Protein change: p.Gly1337Arg; replaces glycine 1337 with arginine.
Molecular consequence: missense variant.
Genome position (GRCh38, 1-based): chr22:50,220,350, C>T on the plus strand (G>A on the coding strand, the complement: TUBGCP6 is on the minus strand). VCF-style: chr22-50220350-C-T. GRCh37 (hg19) VCF-style: chr22-50658779-C-T.
Other names: short protein forms G1337R.
Identifiers: ClinVar variation 4697927 (VCV004697927.1).
Genomic context (GRCh38, chr22:50,220,350, plus strand): 5'-ACCATGGTTGGGTGGGAGCCACGTCTGACACGTTCTCCCCCACGCTGATGCTCCCCTCCC[C>T]GCAGCCCGAGCTGGGGGAGGACAGAGATGGCCCCACTTCTACAGGCAGCCGTGGCCCACA-3'
Protein context (NP_065194.3, residues 1327-1347): PSLSSPSSGC[Gly1337Arg]EGSISVGENV

ClinVar aggregate classification (germline): Uncertain significance (1 of 4 stars; one submission).

gnomAD v4.1: 19 of 1,526,986 alleles (0.0012%); highest among the groups gnomAD compares: East Asian, 0.027%; no homozygotes.

Submission:

Labcorp Genetics (formerly Invitae), Labcorp
Classification: Uncertain significance. Last evaluated: 2025-09-19. Review status: criteria provided, single submitter. Criteria: Invitae Variant Classification Sherloc (09022015). Collection method: clinical testing. Allele origin: germline.
Comment: This sequence change replaces glycine, which is neutral and non-polar, with arginine, which is basic and polar, at codon 1337 of the TUBGCP6 protein (p.Gly1337Arg). This variant is present in population databases (rs751773877, gnomAD 0.02%). This missense change has been observed in individual(s) with autism and epilepsy (PMID: 32477112). An algorithm developed to predict the effect of missense changes on protein structure and function outputs the following: PolyPhen-2: "Benign". The arginine amino acid residue is found in multiple mammalian species, which suggests that this missense change does not adversely affect protein function. In summary, the available evidence is currently insufficient to determine the role of this variant in disease. Therefore, it has been classified as a Variant of Uncertain Significance.

Literature cited by the submitters: PubMed 32477112.